The following is an entry in ClinVar:

NM_002519.3(NPAT):c.2117T>C (p.Val706Ala)

Gene: NPAT (nuclear protein, coactivator of histone transcription; minus strand). Cytogenetic location: 11q22.3.
Variant type: single nucleotide variant.
Coding change: c.2117T>C on transcript NM_002519.3 (MANE Select); coding-DNA position 2117, T replaced by C.
Protein change: p.Val706Ala; replaces valine 706 with alanine.
Molecular consequence: missense variant.
Genome position (GRCh38, 1-based): chr11:108,172,867, A>G on the plus strand (T>C on the coding strand, the complement: NPAT is on the minus strand). VCF-style: chr11-108172867-A-G. GRCh37 (hg19) VCF-style: chr11-108043594-A-G.
Other names: c.2117T>C, p.Val706Ala (NM_001321307.1); c.2117T>C (NM_002519.2); short protein forms V706A.
Identifiers: ClinVar variation 1936596 (VCV001936596.6), dbSNP rs761771125, ClinGen allele CA6263878.
Genomic context (GRCh38, chr11:108,172,867, plus strand): 5'-CTAGAAGGTTTATCATCAGTATTTTGGGACTCAGGGTGAGAATCTCCCACTGAAGAACAC[A>G]CAGATTCTGGAGGAAGAGAGTGACTGTTTTCTACAGGAGTGCCTTCTGGAGGCGTCAGTG-3'
Protein context (NP_002510.2, residues 696-716): ENSHSLPPES[Val706Ala]CSSVGDSHPE

ClinVar aggregate classification (germline): Uncertain significance. Review status: criteria provided, multiple submitters, no conflicts (2 of 4 stars). 2 submissions from 2 submitters: Uncertain significance (2). Last evaluated 2025-03-01.

Allele frequency attached by ClinVar (database versions not stated): gnomAD exomes below 0.00001; ExAC 0.00001; gnomAD 0.00001; TOPMed 0.00002.
gnomAD v4.1: 4 of 1,613,986 alleles (0.00025%); highest among the groups gnomAD compares: African/African-American, 0.0053%; no homozygotes.

Submissions (2):

Ambry Genetics
Classification: Uncertain significance. Last evaluated: 2025-03-01. Review status: criteria provided, single submitter. Criteria: Ambry Variant Classification Scheme 2023. Collection method: clinical testing. Allele origin: germline.

Labcorp Genetics (formerly Invitae), Labcorp
Classification: Uncertain significance. Last evaluated: 2023-09-24. Review status: criteria provided, single submitter. Criteria: Invitae Variant Classification Sherloc (09022015). Collection method: clinical testing. Allele origin: germline.
Comment: An algorithm developed to predict the effect of missense changes on protein structure and function (PolyPhen-2) suggests that this variant is likely to be tolerated. ClinVar contains an entry for this variant (Variation ID: 1936596). This variant has not been reported in the literature in individuals affected with NPAT-related conditions. This variant is present in population databases (rs761771125, gnomAD 0.01%). This sequence change replaces valine, which is neutral and non-polar, with alanine, which is neutral and non-polar, at codon 706 of the NPAT protein (p.Val706Ala). In summary, the available evidence is currently insufficient to determine the role of this variant in disease. Therefore, it has been classified as a Variant of Uncertain Significance.